The following is an entry in ClinVar:

NC_012920.1(MT-ND2):m.4812G>C

Gene: MT-ND2 (mitochondrially encoded NADH dehydrogenase 2; plus strand).
Variant type: single nucleotide variant.
Genome position: chrM-4812-G-C.
Identifiers: ClinVar variation 692508 (VCV000692508.1), dbSNP rs1603219637, ClinGen allele CA414775906.

ClinVar aggregate classification (germline): Likely benign (1 of 4 stars; one submission).

Conditions:
Leigh syndrome (NULS). Also called: Leigh's necrotizing encephalopathy; Leigh's disease; Leigh Syndrome (mtDNA deletion); Leigh Disease; Subacute necrotizing encephalopathy; Necrotizing encephalopathy infantile subacute of Leigh. Identifiers: Orphanet 506, MedGen C2931891, MONDO:0009723, OMIM 256000.

Submission:

Wong Mito Lab, Molecular and Human Genetics, Baylor College of Medicine
Classification: Likely benign for Leigh syndrome. Last evaluated: 2019-10-17. Review status: criteria provided, single submitter. Criteria: Modified ACMG Guidelines (Unpublished). Collection method: clinical testing. Allele origin: germline.
Comment: The NC_012920.1:m.4812G>C (YP_003024027.1:p.Val115Leu) variant in MTND2 gene is interpretated to be a Likely Benign variant based on the modified ACMG guidelines (unpublished). This variant meets the following evidence codes: BP4, BP6

Literature cited by the submitters: PubMed 19370763.